The following is an entry in ClinVar:

NC_000001.10:g.(?_45965995)_(45966095_?)del

Gene: MMACHC (metabolism of cobalamin associated C; plus strand). Cytogenetic location: 1p34.1.
Variant type: Deletion.
Identifiers: ClinVar variation 1453962 (VCV001453962.5).

ClinVar aggregate classification (germline): Pathogenic (1 of 4 stars; one submission).

Conditions:
Cobalamin C disease. Also called: Cobalamin-C methylmalonic acidemia and homocystinuria; Methylmalonic acidemia and homocystinuria cblC type; Methylmalonic aciduria with homocystinuria cblC type; Methylmalonic aciduria and homocystinuria, Vitamin B12-responsive; Vitamin B12 metabolic defect with combined deficiency of methylmalonyl-CoA mutase and homocysteine:methyltetrahydrofolate methyltransferase; methylmalonic aciduria and homocystinuria type cblC. Identifiers: Orphanet 26, Orphanet 79282, MedGen C1848561, MONDO:0010184, OMIM 277400.

Submission:

Labcorp Genetics (formerly Invitae), Labcorp
Classification: Pathogenic for Cobalamin C disease. Last evaluated: 2022-07-06. Review status: criteria provided, single submitter. Criteria: Invitae Variant Classification Sherloc (09022015). Collection method: clinical testing. Allele origin: germline.
Comment: This variant is a gross deletion of the genomic region encompassing exon(s) 1 of the MMACHC gene, which includes the initiator codon. This deletion extends beyond the assayed region for this gene and therefore may encompass additional genes. It is expected to result in an absent or disrupted protein product. Loss-of-function variants in MMACHC are known to be pathogenic (PMID: 16311595). A similar copy number variant has been observed in individual(s) with methylmalonic acidemia (PMID: 31278756). For these reasons, this variant has been classified as Pathogenic.

Literature cited by the submitters: PubMed 16311595; PubMed 31278756.